The following is an entry in ClinVar:

NC_012920.1(MT-ND5):m.13919T>A

Gene: MT-ND5 (mitochondrially encoded NADH dehydrogenase 5; plus strand).
Variant type: single nucleotide variant.
Genome position: chrM-13919-T-A.
Identifiers: ClinVar variation 693632 (VCV000693632.1), dbSNP rs1603224418, ClinGen allele CA414820095.

ClinVar aggregate classification (germline): Likely benign (1 of 4 stars; one submission).

Conditions:
Leigh syndrome (NULS). Also called: Leigh's necrotizing encephalopathy; Leigh's disease; Leigh's syndrome; LEIGH SYNDROME, NUCLEAR; Leigh Syndrome (mtDNA deletion); Leigh Disease. Identifiers: Orphanet 506, MedGen C2931891, MONDO:0009723, OMIM 256000.

Submission:

Wong Mito Lab, Molecular and Human Genetics, Baylor College of Medicine
Classification: Likely benign for Leigh syndrome. Last evaluated: 2019-10-17. Review status: criteria provided, single submitter. Criteria: Modified ACMG Guidelines (Unpublished). Collection method: clinical testing. Allele origin: germline.
Comment: The NC_012920.1:m.13919T>A (YP_003024036.1:p.Phe528Tyr) variant in MTND5 gene is interpretated to be a Likely Benign variant based on the modified ACMG guidelines (unpublished). This variant meets the following evidence codes: BS4, BP4, BP6, PP7